The following is an entry in ClinVar:

NM_001035.3(RYR2):c.4738C>T (p.Pro1580Ser)

Gene: RYR2 (ryanodine receptor 2; plus strand). Cytogenetic location: 1q43.
Variant type: single nucleotide variant.
Coding change: c.4738C>T on transcript NM_001035.3 (MANE Select); coding-DNA position 4738, C replaced by T.
Protein change: p.Pro1580Ser; replaces proline 1580 with serine.
Molecular consequence: missense variant.
Genome position (GRCh38, 1-based): chr1:237,610,816, C>T. VCF-style: chr1-237610816-C-T. GRCh37 (hg19) VCF-style: chr1-237774116-C-T.
Other names: short protein forms P1580S.
Identifiers: ClinVar variation 1026612 (VCV001026612.10), dbSNP rs1677765906, ClinGen allele CA345402335.
Genomic context (GRCh38, chr1:237,610,816, plus strand): 5'-CGCTAGAATGTGATGCCTCTCTCGGCGGGATTATTCAAGAGTGAGCACAAGAACCCCGTG[C>T]CGCAGTGCCCCCCGCGCCTCCACGTGCAGTTCCTGTCACACGTCCTGTGGAGCAGAATGC-3'
Protein context (NP_001026.2, residues 1570-1590): LFKSEHKNPV[Pro1580Ser]QCPPRLHVQF

ClinVar aggregate classification (germline): Uncertain significance (1 of 4 stars; one submission).

Conditions:
Catecholaminergic polymorphic ventricular tachycardia 1. Also called: RYR2-Related Catecholaminergic Polymorphic Ventricular Tachycardia; VENTRICULAR TACHYCARDIA, CATECHOLAMINERGIC POLYMORPHIC, 1, WITH OR WITHOUT ATRIAL DYSFUNCTION AND/OR DILATED CARDIOMYOPATHY; VENTRICULAR TACHYCARDIA, STRESS-INDUCED POLYMORPHIC 1. Identifiers: Orphanet 3286, MedGen C1631597, MONDO:0011484, OMIM 604772.

Allele frequency attached by ClinVar (database versions not stated): gnomAD exomes below 0.00001.
gnomAD v4.1: 2 of 1,611,852 alleles (0.00012%); highest among the groups gnomAD compares: South Asian, 0.0022%; no homozygotes.

Submission:

Labcorp Genetics (formerly Invitae), Labcorp
Classification: Uncertain significance for Catecholaminergic polymorphic ventricular tachycardia 1. Last evaluated: 2020-10-26. Review status: criteria provided, single submitter. Criteria: Invitae Variant Classification Sherloc (09022015). Collection method: clinical testing. Allele origin: germline.
Comment: This sequence change replaces proline with serine at codon 1580 of the RYR2 protein (p.Pro1580Ser). The proline residue is highly conserved and there is a moderate physicochemical difference between proline and serine. This variant is not present in population databases (ExAC no frequency). This variant has not been reported in the literature in individuals with RYR2-related conditions. Advanced modeling of protein sequence and biophysical properties (such as structural, functional, and spatial information, amino acid conservation, physicochemical variation, residue mobility, and thermodynamic stability) performed at Invitae indicates that this missense variant is expected to disrupt RYR2 protein function. In summary, the available evidence is currently insufficient to determine the role of this variant in disease. Therefore, it has been classified as a Variant of Uncertain Significance.